The following is an entry in ClinVar:

NM_000093.5(COL5A1):c.109+37G>A

Gene: COL5A1 (collagen type V alpha 1 chain; plus strand). Cytogenetic location: 9q34.3.
Variant type: single nucleotide variant.
Coding change: c.109+37G>A on transcript NM_000093.5 (MANE Select); 37 bases into the intron after coding-DNA position 109, G replaced by A.
Molecular consequence: intron variant.
Genome position (GRCh38, 1-based): chr9:134,642,333, G>A. VCF-style: chr9-134642333-G-A. GRCh37 (hg19) VCF-style: chr9-137534179-G-A.
Other names: c.109+37G>A (NM_001278074.1).
Identifiers: ClinVar variation 674446 (VCV000674446.2), dbSNP rs186654380, ClinGen allele CA201068713.
Genomic context (GRCh38, chr9:134,642,333, plus strand): 5'-GGGCGCCGCCTCCGAGCCGCGCAGGTAAGGGCGCCCCGGGGCGCGGGGCTGCGGGATGGG[G>A]CGCGCGCAGCCCGGGCGCCGCTGTCATCCCCGGGCGCCTTCGCCCGCAGAACTTTTCTTC-3'

ClinVar aggregate classification (germline): Benign. Review status: criteria provided, multiple submitters, no conflicts (2 of 4 stars). 2 submissions from 2 submitters: Benign (2). Last evaluated 2018-06-19.

Allele frequency attached by ClinVar (database versions not stated): gnomAD exomes 0.00172; gnomAD 0.01678 and 0.01789; TOPMed 0.01860; 1000 Genomes Project 0.02017; 1000 Genomes Project 30x 0.02342.
gnomAD v4.1: 3,299 of 577,878 alleles (0.57%); highest among the groups gnomAD compares: African/African-American, 5.9%; 93 homozygotes.

Submissions (2):

GeneDx
Classification: Benign. Last evaluated: 2018-06-19. Review status: criteria provided, single submitter. Criteria: GeneDx Variant Classification (06012015). Collection method: clinical testing. Allele origin: germline. Affected: yes.
Comment: This variant is considered likely benign or benign based on one or more of the following criteria: it is a conservative change, it occurs at a poorly conserved position in the protein, it is predicted to be benign by multiple in silico algorithms, and/or has population frequency not consistent with disease.

Breakthrough Genomics
Classification: Benign. Review status: criteria provided, single submitter. Criteria: ACMG Guidelines, 2015. Collection method: not provided. Allele origin: germline. Inheritance: Autosomal dominant inheritance. Affected: yes.